The following is an entry in ClinVar:

NM_001059.3(TACR3):c.1034C>A (p.Ala345Glu)

Genes: TACR3 (tachykinin receptor 3; minus strand), TACR3-AS1 (TACR3 antisense RNA 1; plus strand). Cytogenetic location: 4q24.
Variant type: single nucleotide variant.
Coding change: c.1034C>A on transcript NM_001059.3 (MANE Select); coding-DNA position 1034, C replaced by A.
Protein change: p.Ala345Glu; replaces alanine 345 with glutamic acid.
Molecular consequence: missense variant.
Genome position (GRCh38, 1-based): chr4:103,591,538, G>T on the plus strand (C>A on the coding strand, the complement: TACR3 is on the minus strand). VCF-style: chr4-103591538-G-T. GRCh37 (hg19) VCF-style: chr4-104512695-G-T.
Other names: short protein forms A345E.
Identifiers: ClinVar variation 4531915 (VCV004531915.1).

ClinVar aggregate classification (germline): Uncertain significance (1 of 4 stars; one submission).

Conditions:
Hypogonadotropic hypogonadism 11 with or without anosmia (HH11). Also called: HYPOGONADOTROPIC HYPOGONADISM 11 WITHOUT ANOSMIA; TACR3-Related GnRH Deficiency. Identifiers: Orphanet 478, MedGen C3553844, MONDO:0013913, OMIM 614840.

Submission:

Victorian Clinical Genetics Services, Murdoch Childrens Research Institute
Classification: Uncertain significance for Hypogonadotropic hypogonadism 11 with or without anosmia. Last evaluated: 2024-11-18. Review status: criteria provided, single submitter. Criteria: ACMG Guidelines, 2015. Collection method: clinical testing. Allele origin: germline. Affected: yes.
Comment: This variant is classified as VUS-3A. Evidence in support of pathogenic classification: Variant is absent from gnomAD (v2, v3 and v4); Missense variant consistently predicted to be damaging by in silico tool or highly conserved with a major amino acid change. Additional information: Variant is predicted to result in a missense amino acid change from alanine to glutamic acid; This variant is homozygous; This gene is associated with autosomal recessive disease; Alternative amino acid changes at the same position have been observed in gnomAD (v4: each with 1 heterozygote(s), 0 homozygote(s)); This variant has no previous evidence of pathogenicity; No published segregation evidence has been identified for this variant; No published functional evidence has been identified for this variant; No comparable missense variants have previous evidence for pathogenicity; Variant is located in the annotated 7 transmembrane receptor (rhodopsin family) domain (DECIPHER); Loss of function is a known mechanism of disease in this gene and is associated with hypogonadotropic hypogonadism 11 with or without anosmia (MIM#614840); Inheritance information for this variant is not currently available in this individual.